The following is an entry in ClinVar:

ClinVar aggregate classification (germline): Pathogenic (1 of 4 stars; one submission).

Submission:

Labcorp Genetics (formerly Invitae), Labcorp
Classification: Pathogenic. Last evaluated: 2020-07-13. Review status: criteria provided, single submitter. Criteria: Invitae Variant Classification Sherloc (09022015). Collection method: clinical testing. Allele origin: germline.
Comment: This sequence change (c.1596-1150_1900+1303delins337) is a complex rearrangement involving exons 18-19 of the VPS13A gene. Although the exact nature of the event is unknown, it likely involves partial deletion and/or inversion of these exons. This is expected to result in an absent or disrupted protein product. This variant has not been reported in the literature in individuals with VPS13A-related conditions. Loss-of-function variants in VPS13A are known to be pathogenic (PMID: 12404112, 21598378). For these reasons, this variant has been classified as Pathogenic.

Literature cited by the submitters: PubMed 12404112; PubMed 21598378.

NC_000009.11:g.(?_79851768)_79854605del

Gene: VPS13A (vacuolar protein sorting 13 homolog A; plus strand).
Variant type: Deletion.
Identifiers: ClinVar variation 1076766 (VCV001076766.2).